The following is an entry in ClinVar:

NM_013352.4(DSE):c.2761A>G (p.Thr921Ala)

Gene: DSE (dermatan sulfate epimerase; plus strand). Cytogenetic location: 6q22.1.
Variant type: single nucleotide variant.
Coding change: c.2761A>G on transcript NM_013352.4 (MANE Select); coding-DNA position 2761, A replaced by G.
Protein change: p.Thr921Ala; replaces threonine 921 with alanine.
Molecular consequence: missense variant. On other transcripts: 3 prime UTR variant (2), non-coding transcript variant (1).
Genome position (GRCh38, 1-based): chr6:116,437,229, A>G. VCF-style: chr6-116437229-A-G. GRCh37 (hg19) VCF-style: chr6-116758392-A-G.
Other names: c.2761A>G, p.Thr921Ala (NM_001080976.3, NM_001322937.2, NM_001322938.2); c.2818A>G, p.Thr940Ala (NM_001322939.2); c.2200A>G, p.Thr734Ala (NM_001322940.2, NM_001322941.2); c.*1626A>G (NM_001322943.2, NM_001322944.2); c.1762A>G, p.Thr588Ala (NM_001374520.1); c.1726A>G, p.Thr576Ala (NM_001374521.1); short protein forms T576A, T588A, T921A, T940A, T734A.
Identifiers: ClinVar variation 1030281 (VCV001030281.6), dbSNP rs143226402, ClinGen allele CA3969868.

ClinVar aggregate classification (germline): Uncertain significance. Review status: criteria provided, multiple submitters, no conflicts (2 of 4 stars). 5 submissions from 5 submitters: Uncertain significance (5). Last evaluated 2025-12-23.

Conditions:
Ehlers-Danlos syndrome, musculocontractural type 2 (EDSMC2). Identifiers: Orphanet 2953, MedGen C3809845, MONDO:0014236, OMIM 615539.
Inborn genetic diseases. Identifiers: MedGen C0950123, MeSH D030342.

Allele frequency attached by ClinVar (database versions not stated): gnomAD exomes 0.00003 and 0.00004; ExAC 0.00007; gnomAD 0.00019 and 0.00021; TOPMed 0.00025; ESP Exome Variant Server 0.00031.
gnomAD v4.1: 68 of 1,613,920 alleles (0.0042%); highest among the groups gnomAD compares: African/African-American, 0.052%; no homozygotes.

Submissions (5):

Women's Health and Genetics/Laboratory Corporation of America, LabCorp
Classification: Uncertain significance. Last evaluated: 2025-12-23. Review status: criteria provided, single submitter. Criteria: LabCorp Variant Classification Summary - May 2015. Collection method: clinical testing. Allele origin: germline.
Comment: Variant summary: DSE c.2761A>G (p.Thr921Ala) results in a non-conservative amino acid change in the encoded protein sequence. Algorithms developed to predict the effect of missense changes on protein structure and function are either unavailable or do not agree on the potential impact of this missense change. The variant allele was found at a frequency of 4.4e-05 in 251362 control chromosomes. This frequency is not significantly higher than estimated for disease-causing variants in DSE, allowing no conclusion about variant significance. To our knowledge, no occurrence of c.2761A>G in individuals affected with DSE-related conditions and no experimental evidence demonstrating its impact on protein function have been reported. ClinVar contains an entry for this variant (Variation ID: 1030281). Based on the evidence outlined above, the variant was classified as uncertain significance.

GeneDx
Classification: Uncertain significance. Last evaluated: 2024-12-03. Review status: criteria provided, single submitter. Criteria: GeneDx Variant Classification Process June 2021. Collection method: clinical testing. Allele origin: germline. Affected: yes.
Comment: In silico analysis indicates that this missense variant does not alter protein structure/function; Has not been previously published as pathogenic or benign to our knowledge

Labcorp Genetics (formerly Invitae), Labcorp
Classification: Uncertain significance for Ehlers-Danlos syndrome, musculocontractural type 2. Last evaluated: 2024-11-18. Review status: criteria provided, single submitter. Criteria: Invitae Variant Classification Sherloc (09022015). Collection method: clinical testing. Allele origin: germline.
Comment: This sequence change replaces threonine, which is neutral and polar, with alanine, which is neutral and non-polar, at codon 921 of the DSE protein (p.Thr921Ala). This variant is present in population databases (rs143226402, gnomAD 0.05%). This variant has not been reported in the literature in individuals affected with DSE-related conditions. ClinVar contains an entry for this variant (Variation ID: 1030281). An algorithm developed to predict the effect of missense changes on protein structure and function (PolyPhen-2) suggests that this variant is likely to be disruptive. In summary, the available evidence is currently insufficient to determine the role of this variant in disease. Therefore, it has been classified as a Variant of Uncertain Significance.

Ambry Genetics
Classification: Uncertain significance for Inborn genetic diseases. Last evaluated: 2023-12-21. Review status: criteria provided, single submitter. Criteria: Ambry Variant Classification Scheme 2023. Collection method: clinical testing. Allele origin: germline.

Baylor Genetics
Classification: Uncertain significance for Ehlers-Danlos syndrome, musculocontractural type 2. Last evaluated: 2020-02-17. Review status: criteria provided, single submitter. Criteria: ACMG Guidelines, 2015. Collection method: clinical testing. Allele origin: unknown. Affected: yes.
Comment: This variant was determined to be of uncertain significance according to ACMG Guidelines, 2015 [PMID:25741868].